The following is an entry in ClinVar:

NM_003072.5(SMARCA4):c.3383-3C>T

Gene: SMARCA4 (SWI/SNF related BAF chromatin remodeling complex subunit ATPase 4; plus strand). Cytogenetic location: 19p13.2.
Variant type: single nucleotide variant.
Coding change: c.3383-3C>T on transcript NM_003072.5 (MANE Select); 3 bases into the intron before coding-DNA position 3383, C replaced by T.
Molecular consequence: intron variant.
Genome position (GRCh38, 1-based): chr19:11,030,727, C>T. VCF-style: chr19-11030727-C-T. GRCh37 (hg19) VCF-style: chr19-11141403-C-T.
Other names: c.3383-3C>T (NM_001128844.3, NM_001128849.3, NM_001128847.4 and 5 more transcripts).
Identifiers: ClinVar variation 1730832 (VCV001730832.2), dbSNP rs371558035, ClinGen allele CA2576625076.

ClinVar aggregate classification (germline): Uncertain significance (1 of 4 stars; one submission).

Conditions:
Hereditary cancer-predisposing syndrome. Also called: Neoplastic Syndromes, Hereditary; Tumor predisposition; Hereditary Cancer Syndrome; Hereditary neoplastic syndrome. Identifiers: Orphanet 140162, MedGen C0027672, MeSH D009386, MONDO:0015356.

Submission:

Ambry Genetics
Classification: Uncertain significance for Hereditary cancer-predisposing syndrome. Last evaluated: 2022-03-10. Review status: criteria provided, single submitter. Criteria: Ambry Variant Classification Scheme 2023. Collection method: clinical testing. Allele origin: germline.
Comment: The c.3383-3C>T intronic variant results from a C to T substitution 3 nucleotides upstream from coding exon 24 in the SMARCA4 gene. This nucleotide position is well conserved in available vertebrate species. In silico splice site analysis predicts that this alteration will not have any significant effect on splicing. Since supporting evidence is limited at this time, the clinical significance of this alteration remains unclear.